The following is an entry in ClinVar:

ClinVar aggregate classification (germline): Benign (1 of 4 stars; one submission).

gnomAD v4.1: 13,587 of 1,600,034 alleles (0.85%); highest among the groups gnomAD compares: Non-Finnish European, 1.1%; 84 homozygotes.

Submission:

CeGaT Center for Human Genetics Tuebingen
Classification: Benign. Last evaluated: 2026-09-01. Review status: criteria provided, single submitter. Criteria: CeGaT Center For Human Genetics Tuebingen Variant Classification Criteria Version 2. Collection method: clinical testing. Allele origin: germline. Affected: yes. Observed: 1 variant allele.
Comment: AMDHD2: BP4, BP7, BS1, BS2

NM_001330449.2(AMDHD2):c.1095G>A (p.Leu365=)

Gene: AMDHD2 (amidohydrolase domain containing 2; plus strand). Cytogenetic location: 16p13.3.
Variant type: single nucleotide variant.
Coding change: c.1095G>A on transcript NM_001330449.2 (MANE Select); coding-DNA position 1095, G replaced by A.
Protein change: p.Leu365=; no amino-acid change (leucine 365 retained).
Molecular consequence: synonymous variant.
Genome position (GRCh38, 1-based): chr16:2,529,049, G>A. VCF-style: chr16-2529049-G-A. GRCh37 (hg19) VCF-style: chr16-2579050-G-A.
Other names: c.1026G>A, p.Leu342= (NM_001410943.1); c.1185G>A, p.Leu395= (NM_015944.4, NM_001145815.2).
Identifiers: ClinVar variation 5040785 (VCV005040785.1).
Genomic context (GRCh38, chr16:2,529,049, plus strand): 5'-AGCAGGCTGCAGCATGGAGTCGGCCCTGGAGGCTGCATCCCTGCACCCCGCCCAGTTGCT[G>A]GGGCTGGAGAAGAGTAAGGGGACCCTGGACTTTGGTGCTGACGCAGGTGAGGGCCTGTCG-3'
Protein context (NP_001317378.1, residues 355-375): EAASLHPAQL[Leu365=]GLEKSKGTLD